The following is an entry in ClinVar:

NM_001371596.2(MFSD8):c.1021del (p.Leu341fs)

Gene: MFSD8 (major facilitator superfamily domain containing 8; minus strand). Cytogenetic location: 4q28.2.
Variant type: Deletion.
Coding change: c.1021del on transcript NM_001371596.2 (MANE Select); coding-DNA position 1021, one base deleted (C; older notation c.1021delC).
Protein change: p.Leu341fs; shifts the reading frame from leucine 341.
Molecular consequence: frameshift variant.
Genome position (GRCh38, 1-based): chr4:127,921,941, G deleted on the plus strand (C on the coding strand, the reverse complement: MFSD8 is on the minus strand). VCF-style (leftmost placement, unchanged base first): chr4-127921940-AG-A. GRCh37 (hg19) VCF-style: chr4-128843095-AG-A.
Other names: c.820delC, p.Leu274Trpfs (NM_001363520.3); c.706delC, p.Leu236Trpfs (NM_001363521.3); c.886delC, p.Leu296Trpfs (NM_001371590.2); c.1021delC, p.Leu341Trpfs (NM_001371591.2); c.1027delC, p.Leu343Trpfs (NM_001371592.2); c.907delC, p.Leu303Trpfs (NM_001371593.2); c.874delC, p.Leu292Trpfs (NM_001371594.2); c.739del, p.Leu247fs (NM_001371595.1); and 2 more; short protein forms L236fs, L247fs, L274fs, L292fs, L296fs, L303fs, L341fs, L343fs.
Identifiers: ClinVar variation 1686641 (VCV001686641.5), dbSNP rs1736400607, ClinGen allele CA1492804584.
Genomic context (GRCh38, chr4:127,921,940, plus strand): 5'-AATTGATTTCCCCAAGGTAACAAGATAAAGAAGCCAACCCATACAACGATGAGTCCTCCC[AG>A]TAGAATAGCACGCTCGCCAATCCTGTTAAAGAACAGAAACTCTGTAATTTTAAAATGAAA-3'

ClinVar aggregate classification (germline): Likely pathogenic (1 of 4 stars; one submission).

Allele frequency attached by ClinVar (database versions not stated): TOPMed below 0.00001.

Submission:

Mayo Clinic Laboratories, Mayo Clinic
Classification: Likely pathogenic. Last evaluated: 2021-06-25. Review status: criteria provided, single submitter. Criteria: ACMG Guidelines, 2015. Collection method: clinical testing. Allele origin: germline.
Comment: PVS1, PM2